The following is an entry in ClinVar:

NM_000135.4(FANCA):c.3093G>C (p.Gln1031His)

Gene: FANCA (FA complementation group A; minus strand). Cytogenetic location: 16q24.3.
Variant type: single nucleotide variant.
Coding change: c.3093G>C on transcript NM_000135.4 (MANE Select); coding-DNA position 3093, G replaced by C.
Protein change: p.Gln1031His; replaces glutamine 1031 with histidine.
Molecular consequence: missense variant.
Genome position (GRCh38, 1-based): chr16:89,749,876, C>G on the plus strand (G>C on the coding strand, the complement: FANCA is on the minus strand). VCF-style: chr16-89749876-C-G. GRCh37 (hg19) VCF-style: chr16-89816284-C-G.
Other names: c.3093G>C, p.Gln1031His (NM_001286167.3); short protein forms Q1031H.
Identifiers: ClinVar variation 4826932 (VCV004826932.1).
Genomic context (GRCh38, chr16:89,749,876, plus strand): 5'-AATCTCAAAGAGGAAGTGCTCCTGGGAAGGGGTGTGGCCGAGAGGCACTATGAGGTCTTG[C>G]TGCAGCTCCAGGTCAGCTACCATCTCCTGAAAAAGAGCAGTATGCTGGCACAGGAAGGCC-3'
Protein context (NP_000126.2, residues 1021-1041): LQEMVADLEL[Gln1031His]QDLIVPLGHT

ClinVar aggregate classification (germline): Uncertain significance (1 of 4 stars; one submission).

Conditions:
Inborn genetic diseases. Identifiers: MedGen C0950123, MeSH D030342.

Submission:

Ambry Genetics
Classification: Uncertain significance for Inborn genetic diseases. Last evaluated: 2026-03-13. Review status: criteria provided, single submitter. Criteria: Ambry Variant Classification Scheme 2023. Collection method: clinical testing. Allele origin: germline.
Comment: The p.Q1031H variant (also known as c.3093G>C), located in coding exon 32 of the FANCA gene, results from a G to C substitution at nucleotide position 3093. The glutamine at codon 1031 is replaced by histidine, an amino acid with highly similar properties. This amino acid position is conserved. In addition, this alteration is predicted to be tolerated by in silico analysis. Based on the available evidence, the clinical significance of this variant remains unclear.